The following is an entry in ClinVar:

ClinVar aggregate classification (germline): Uncertain significance. Review status: criteria provided, multiple submitters, no conflicts (2 of 4 stars). 2 submissions from 2 submitters: Uncertain significance (2). Last evaluated 2017-04-12.

Conditions:
Dilated cardiomyopathy 1G (CMD1G). Identifiers: Orphanet 154, MedGen C1858763, MONDO:0011400, OMIM 604145.
Autosomal recessive limb-girdle muscular dystrophy type 2J (LGMDR10). Also called: Limb-girdle muscular dystrophy, type 2J; MUSCULAR DYSTROPHY, LIMB-GIRDLE, AUTOSOMAL RECESSIVE 10. Identifiers: Orphanet 140922, MedGen C1837342, MONDO:0012127, OMIM 608807.

Allele frequency attached by ClinVar (database versions not stated): gnomAD 0.00001; gnomAD exomes 0.00002; ExAC 0.00003.
gnomAD v4.1: 21 of 1,613,268 alleles (0.0013%); highest among the groups gnomAD compares: East Asian, 0.0067%; no homozygotes.

Submissions (2):

Labcorp Genetics (formerly Invitae), Labcorp
Classification: Uncertain significance for Dilated cardiomyopathy 1G; Autosomal recessive limb-girdle muscular dystrophy type 2J. Last evaluated: 2017-04-12. Review status: criteria provided, single submitter. Criteria: Invitae Variant Classification Sherloc (09022015). Collection method: clinical testing. Allele origin: germline.

Biesecker Lab/Clinical Genomics Section, National Institutes of Health
Classification: Uncertain significance. Last evaluated: 2013-06-24. Review status: criteria provided, single submitter. Criteria: Ng et al. (Circ Cardiovasc Genet. 2013). Collection method: research. Allele origin: unknown. Observed: 1 variant allele. Study: ClinSeq.
Comment: The study set was not selected for affection status in relation to any cancer. Pathogenicity categories were based on literature curation. See Pubmed ID:23861362 for details.

Medical sequencing

NM_001267550.2(TTN):c.83228G>A (p.Arg27743Gln)

Genes: TTN-AS1 (TTN antisense RNA 1; plus strand), TTN (titin; minus strand). Cytogenetic location: 2q31.2.
Variant type: single nucleotide variant.
Coding change: c.83228G>A on transcript NM_001267550.2 (MANE Select); coding-DNA position 83228, G replaced by A.
Protein change: p.Arg27743Gln; replaces arginine 27743 with glutamine.
Molecular consequence: missense variant.
Genome position (GRCh38, 1-based): chr2:178,562,904, C>T on the plus strand (G>A on the coding strand, the complement: TTN is on the minus strand). VCF-style: chr2-178562904-C-T. GRCh37 (hg19) VCF-style: chr2-179427631-C-T.
Other names: c.78305G>A, p.Arg26102Gln (NM_001256850.1); c.56033G>A, p.Arg18678Gln (NM_003319.4); c.75524G>A, p.Arg25175Gln (NM_133378.4); c.56408G>A, p.Arg18803Gln (NM_133432.3); c.56609G>A, p.Arg18870Gln (NM_133437.4); short protein forms R25175Q, R27743Q, R18870Q, R18678Q, R18803Q, R26102Q.
Identifiers: ClinVar variation 191874 (VCV000191874.3), dbSNP rs768262273, ClinGen allele CA237758.